The following is an entry in ClinVar:

NM_001303256.3(MORC2):c.1040A>G (p.Asp347Gly)

Gene: MORC2 (MORC family CW-type zinc finger 2; minus strand). Cytogenetic location: 22q12.2.
Variant type: single nucleotide variant.
Coding change: c.1040A>G on transcript NM_001303256.3 (MANE Select); coding-DNA position 1040, A replaced by G.
Protein change: p.Asp347Gly; replaces aspartic acid 347 with glycine.
Molecular consequence: missense variant.
Genome position (GRCh38, 1-based): chr22:30,939,654, T>C on the plus strand (A>G on the coding strand, the complement: MORC2 is on the minus strand). VCF-style: chr22-30939654-T-C. GRCh37 (hg19) VCF-style: chr22-31335641-T-C.
Other names: c.1040A>G, p.Asp347Gly (NM_001303257.2); c.854A>G, p.Asp285Gly (NM_014941.3); short protein forms D285G, D347G.
Identifiers: ClinVar variation 3776597 (VCV003776597.1).

ClinVar aggregate classification (germline): Uncertain significance (1 of 4 stars; one submission).

Submission:

GeneDx
Classification: Uncertain significance. Last evaluated: 2024-10-01. Review status: criteria provided, single submitter. Criteria: GeneDx Variant Classification Process June 2021. Collection method: clinical testing. Allele origin: germline. Affected: yes.
Comment: Not observed at significant frequency in large population cohorts (gnomAD); In silico analysis supports that this missense variant has a deleterious effect on protein structure/function; Has not been previously published as pathogenic or benign to our knowledge